The following is an entry in ClinVar:

NM_000271.5(NPC1):c.3042-2_3042-1del

Gene: NPC1 (NPC intracellular cholesterol transporter 1; minus strand). Cytogenetic location: 18q11.2.
Variant type: Deletion.
Coding change: c.3042-2_3042-1del on transcript NM_000271.5 (MANE Select); the canonical splice acceptor site of the intron before coding-DNA position 3042, 2 bases deleted (AG; older notation c.3042-2_3042-1delAG).
Molecular consequence: splice acceptor variant.
Genome position (GRCh38, 1-based): chr18:23,536,877-23,536,878, CT deleted on the plus strand (AG on the coding strand, the reverse complement: NPC1 is on the minus strand). VCF-style (leftmost placement, unchanged base first): chr18-23536876-CCT-C. GRCh37 (hg19) VCF-style: chr18-21116840-CCT-C.
Identifiers: ClinVar variation 1994937 (VCV001994937.4), dbSNP rs2511198096, ClinGen allele CA2580095491.

ClinVar aggregate classification (germline): Likely pathogenic (1 of 4 stars; one submission).

Conditions:
Niemann-Pick disease, type C1. Also called: NIEMANN-PICK DISEASE, VARIANT TYPE C1; NEUROVISCERAL STORAGE DISEASE WITH VERTICAL SUPRANUCLEAR OPHTHALMOPLEGIA; NIEMANN-PICK DISEASE WITH CHOLESTEROL ESTERIFICATION BLOCK; NIEMANN-PICK DISEASE WITHOUT SPHINGOMYELINASE DEFICIENCY; NIEMANN-PICK DISEASE, CHRONIC NEURONOPATHIC FORM. Identifiers: Orphanet 646, MedGen C3179455, MONDO:0009757, OMIM 257220.

Submission:

Labcorp Genetics (formerly Invitae), Labcorp
Classification: Likely pathogenic for Niemann-Pick disease, type C1. Last evaluated: 2022-05-15. Review status: criteria provided, single submitter. Criteria: Invitae Variant Classification Sherloc (09022015). Collection method: clinical testing. Allele origin: germline.
Comment: In summary, the currently available evidence indicates that the variant is pathogenic, but additional data are needed to prove that conclusively. Therefore, this variant has been classified as Likely Pathogenic. Algorithms developed to predict the effect of sequence changes on RNA splicing suggest that this variant may disrupt the consensus splice site. This variant has not been reported in the literature in individuals affected with NPC1-related conditions. This variant is not present in population databases (gnomAD no frequency). This sequence change affects a splice site in intron 20 of the NPC1 gene. It is expected to disrupt RNA splicing. Variants that disrupt the donor or acceptor splice site typically lead to a loss of protein function (PMID: 16199547), and loss-of-function variants in NPC1 are known to be pathogenic (PMID: 9211850).

Literature cited by the submitters: PubMed 16199547; PubMed 9211850.